The following is an entry in ClinVar:

ClinVar aggregate classification (germline): Uncertain significance (1 of 4 stars; one submission).

Conditions:
Ataxia-telangiectasia syndrome (AT). Also called: LOUIS-BAR SYNDROME; Cerebello-oculocutaneous telangiectasia; Immunodeficiency with ataxia telangiectasia; Ataxia-telangiectasia, complementation group D; Ataxia-telangiectasia, complementation group E; Ataxia telangiectasia (A-T). Identifiers: Orphanet 100, MedGen C0004135, MONDO:0008840, OMIM 208900.

Submission:

Labcorp Genetics (formerly Invitae), Labcorp
Classification: Uncertain significance for Ataxia-telangiectasia syndrome. Last evaluated: 2025-04-07. Review status: criteria provided, single submitter. Criteria: Invitae Variant Classification Sherloc (09022015). Collection method: clinical testing. Allele origin: germline.
Comment: This sequence change replaces arginine, which is basic and polar, with lysine, which is basic and polar, at codon 1249 of the ATM protein (p.Arg1249Lys). This variant also falls at the last nucleotide of exon 25, which is part of the consensus splice site for this exon. This variant is not present in population databases (gnomAD no frequency). This variant has not been reported in the literature in individuals affected with ATM-related conditions. ClinVar contains an entry for this variant (Variation ID: 3004136). An algorithm developed to predict the effect of missense changes on protein structure and function (PolyPhen-2) suggests that this variant is likely to be tolerated. Variants that disrupt the consensus splice site are a relatively common cause of aberrant splicing (PMID: 17576681, 9536098). In summary, the available evidence is currently insufficient to determine the role of this variant in disease. Therefore, it has been classified as a Variant of Uncertain Significance.

Literature cited by the submitters: PubMed 17576681; PubMed 9536098.

NM_000051.4(ATM):c.3746G>A (p.Arg1249Lys)

Gene: ATM (ATM serine/threonine kinase; plus strand). Cytogenetic location: 11q22.3.
Variant type: single nucleotide variant.
Coding change: c.3746G>A on transcript NM_000051.4 (MANE Select); coding-DNA position 3746, G replaced by A.
Protein change: p.Arg1249Lys; replaces arginine 1249 with lysine.
Molecular consequence: missense variant.
Genome position (GRCh38, 1-based): chr11:108,282,879, G>A. VCF-style: chr11-108282879-G-A. GRCh37 (hg19) VCF-style: chr11-108153606-G-A.
Other names: c.3746G>A, p.Arg1249Lys (NM_001351834.2); short protein forms R1249K.
Identifiers: ClinVar variation 3004136 (VCV003004136.3), dbSNP rs2135691258, ClinGen allele CA382523902.
Genomic context (GRCh38, chr11:108,282,879, plus strand): 5'-ACAACTTATCTTCTTTTCCTTTTATTTTATTAAACTACACAAATATTGAGGATTTCTATA[G>A]GTAAGTTTATACATGACATATGTGAAATTTGTTTAATTTAAAATTAGTTAACAATACTTA-3'
Protein context (NP_000042.3, residues 1239-1259): LNYTNIEDFY[Arg1249Lys]SCYKVLIPHL